The following is an entry in ClinVar:

NM_001453.3(FOXC1):c.1005G>C (p.Ser335=)

Gene: FOXC1 (forkhead box C1; plus strand). Cytogenetic location: 6p25.3.
Variant type: single nucleotide variant.
Coding change: c.1005G>C on transcript NM_001453.3 (MANE Select); coding-DNA position 1005, G replaced by C.
Protein change: p.Ser335=; no amino-acid change (serine 335 retained).
Molecular consequence: synonymous variant.
Genome position (GRCh38, 1-based): chr6:1,611,450, G>C. VCF-style: chr6-1611450-G-C. GRCh37 (hg19) VCF-style: chr6-1611685-G-C.
Identifiers: ClinVar variation 4692761 (VCV004692761.1).

ClinVar aggregate classification (germline): Uncertain significance (1 of 4 stars; one submission).

Conditions:
Axenfeld-Rieger syndrome type 3 (RIEG3). Also called: AXENFELD-RIEGER ANOMALY WITH CARDIAC DEFECTS AND/OR SENSORINEURAL HEARING LOSS. Identifiers: Orphanet 782, MedGen C2678503, MONDO:0011233, OMIM 602482.

Submission:

Labcorp Genetics (formerly Invitae), Labcorp
Classification: Uncertain significance for Axenfeld-Rieger syndrome type 3. Last evaluated: 2025-02-05. Review status: criteria provided, single submitter. Criteria: Invitae Variant Classification Sherloc (09022015). Collection method: clinical testing. Allele origin: germline.
Comment: This sequence change affects codon 335 of the FOXC1 mRNA. It is a 'silent' change, meaning that it does not change the encoded amino acid sequence of the FOXC1 protein. This variant is not present in population databases (gnomAD no frequency). This variant has not been reported in the literature in individuals affected with FOXC1-related conditions. In summary, the available evidence is currently insufficient to determine the role of this variant in disease. Therefore, it has been classified as a Variant of Uncertain Significance.